The following is an entry in ClinVar:

ClinVar aggregate classification (germline): Uncertain significance (1 of 4 stars; one submission).

Conditions:
Leigh syndrome (NULS). Also called: Leigh's necrotizing encephalopathy; Leigh's disease; Leigh Syndrome (mtDNA deletion); Leigh Disease; Subacute necrotizing encephalopathy; Necrotizing encephalopathy infantile subacute of Leigh. Identifiers: Orphanet 506, MedGen C2931891, MONDO:0009723, OMIM 256000.

Submission:

Wong Mito Lab, Molecular and Human Genetics, Baylor College of Medicine
Classification: Uncertain significance for Leigh syndrome. Last evaluated: 2019-10-17. Review status: criteria provided, single submitter. Criteria: Modified ACMG Guidelines (Unpublished). Collection method: clinical testing. Allele origin: germline.
Comment: The NC_012920.1:m.10913T>C (YP_003024035.1:p.Cys52Arg) variant in MTND4 gene is interpretated to be a Uncertain Significance variant based on the modified ACMG guidelines (unpublished). This variant meets the following evidence codes: PP7, BP4

NC_012920.1(MT-ND4):m.10913T>C

Gene: MT-ND4 (mitochondrially encoded NADH dehydrogenase 4; plus strand).
Variant type: single nucleotide variant.
Genome position: chrM-10913-T-C.
Identifiers: ClinVar variation 693326 (VCV000693326.1), dbSNP rs1603223017, ClinGen allele CA414807494.
Genomic context (GRCh38, chrMT:10,913, plus strand): 5'-CTAATTATTAGCATCATCCCTCTACTATTTTTTAACCAAATCAACAACAACCTATTTAGC[T>C]GTTCCCCAACCTTTTCCTCCGACCCCCTAACAACCCCCCTCCTAATACTAACTACCTGAC-3'